The following is an entry in ClinVar:

ClinVar aggregate classification (germline): Uncertain significance (1 of 4 stars; one submission).

Conditions:
Hereditary cancer-predisposing syndrome. Also called: Hereditary neoplastic syndrome; Neoplastic Syndromes, Hereditary; Hereditary Cancer Syndrome; Tumor predisposition. Identifiers: Orphanet 140162, MedGen C0027672, MeSH D009386, MONDO:0015356.

gnomAD v4.1: 1 of 1,611,972 alleles (0.000062%); highest among the groups gnomAD compares: Non-Finnish European, 0.000085%; no homozygotes.

Submission:

Labcorp Genetics (formerly Invitae), Labcorp
Classification: Uncertain significance for Hereditary cancer-predisposing syndrome. Last evaluated: 2023-02-26. Review status: criteria provided, single submitter. Criteria: Invitae Variant Classification Sherloc (09022015). Collection method: clinical testing. Allele origin: germline.
Comment: ClinVar contains an entry for this variant (Variation ID: 1719760). This sequence change replaces arginine, which is basic and polar, with leucine, which is neutral and non-polar, at codon 327 of the RAD50 protein (p.Arg327Leu). This variant is not present in population databases (gnomAD no frequency). This variant has not been reported in the literature in individuals affected with RAD50-related conditions. Advanced modeling of protein sequence and biophysical properties (such as structural, functional, and spatial information, amino acid conservation, physicochemical variation, residue mobility, and thermodynamic stability) performed at Invitae indicates that this missense variant is not expected to disrupt RAD50 protein function. In summary, the available evidence is currently insufficient to determine the role of this variant in disease. Therefore, it has been classified as a Variant of Uncertain Significance.

NM_005732.4(RAD50):c.980G>T (p.Arg327Leu)

Gene: RAD50 (RAD50 double strand break repair protein; plus strand). Cytogenetic location: 5q31.1.
Variant type: single nucleotide variant.
Coding change: c.980G>T on transcript NM_005732.4 (MANE Select); coding-DNA position 980, G replaced by T.
Protein change: p.Arg327Leu; replaces arginine 327 with leucine.
Molecular consequence: missense variant.
Genome position (GRCh38, 1-based): chr5:132,588,018, G>T. VCF-style: chr5-132588018-G-T. GRCh37 (hg19) VCF-style: chr5-131923710-G-T.
Other names: short protein forms R327L.
Identifiers: ClinVar variation 1719760 (VCV001719760.6), dbSNP rs28903091, ClinGen allele CA360941264.